The following is an entry in ClinVar:

ClinVar aggregate classification (germline): Likely benign. Review status: criteria provided, multiple submitters, no conflicts (2 of 4 stars). 5 submissions from 5 submitters: Likely benign (4). 1 of the submissions does not count toward it. Last evaluated 2025-09-05.

Conditions:
SAMD9L-related disorder. Also called: SAMD9L-related condition; SAMD9L-related disorders.
Inborn genetic diseases. Identifiers: MedGen C0950123, MeSH D030342.

Allele frequency attached by ClinVar (database versions not stated): ExAC 0.00001; TOPMed 0.00001; gnomAD exomes 0.00002.

Submissions (5):

Labcorp Genetics (formerly Invitae), Labcorp
Classification: Likely benign. Last evaluated: 2025-09-05. Review status: criteria provided, single submitter. Criteria: Invitae Variant Classification Sherloc (09022015). Collection method: clinical testing. Allele origin: germline.

Ambry Genetics
Classification: Likely benign for Inborn genetic diseases. Last evaluated: 2024-12-29. Review status: criteria provided, single submitter. Criteria: Ambry Variant Classification Scheme 2023. Collection method: clinical testing. Allele origin: germline.

Blueprint Genetics
Classification: Likely benign. Last evaluated: 2024-11-21. Review status: criteria provided, single submitter. Criteria: ACMG Guidelines, 2015. Collection method: clinical testing. Allele origin: germline.

CeGaT Center for Human Genetics Tuebingen
Classification: Likely benign. Last evaluated: 2022-03-01. Review status: criteria provided, single submitter. Criteria: CeGaT Center For Human Genetics Tuebingen Variant Classification Criteria Version 2. Collection method: clinical testing. Allele origin: germline. Affected: yes. Observed: 1 variant allele.
Comment: SAMD9L: BP4, BP7

PreventionGenetics, part of Exact Sciences
Classification: Likely benign for SAMD9L-related condition. Last evaluated: 2024-02-22. Review status: no assertion criteria provided. Collection method: clinical testing. Allele origin: germline. Not counted in ClinVar's aggregate classification.
Comment: This variant is classified as likely benign based on ACMG/AMP sequence variant interpretation guidelines (Richards et al. 2015 PMID: 25741868, with internal and published modifications).

NM_152703.5(SAMD9L):c.3198C>T (p.Asp1066=)

Gene: SAMD9L (sterile alpha motif domain containing 9 like; minus strand). Cytogenetic location: 7q21.2.
Variant type: single nucleotide variant.
Coding change: c.3198C>T on transcript NM_152703.5 (MANE Select); coding-DNA position 3198, C replaced by T.
Protein change: p.Asp1066=; no amino-acid change (aspartic acid 1066 retained).
Molecular consequence: synonymous variant.
Genome position (GRCh38, 1-based): chr7:93,132,774, G>A on the plus strand (C>T on the coding strand, the complement: SAMD9L is on the minus strand). VCF-style: chr7-93132774-G-A. GRCh37 (hg19) VCF-style: chr7-92762087-G-A.
Other names: c.3198C>T, p.Asp1066= (NM_001303496.3, NM_001303497.3, NM_001303498.3 and 5 more transcripts); c.3198C>T (NM_152703.2, NM_152703.3).
Identifiers: ClinVar variation 1528798 (VCV001528798.34), dbSNP rs747147959, ClinGen allele CA4343491.